The following is an entry in ClinVar:

ClinVar aggregate classification (germline): Uncertain significance (1 of 4 stars; one submission).

Submission:

CeGaT Center for Human Genetics Tuebingen
Classification: Uncertain significance. Last evaluated: 2026-05-01. Review status: criteria provided, single submitter. Criteria: CeGaT Center For Human Genetics Tuebingen Variant Classification Criteria Version 2. Collection method: clinical testing. Allele origin: germline. Affected: yes. Observed: 1 variant allele.
Comment: DPM3: PM2, PP3

NM_153741.2(DPM3):c.-6+1G>A

Genes: DPM3 (dolichyl-phosphate mannosyltransferase subunit 3, regulatory; minus strand), LOC129931553 (ATAC-STARR-seq lymphoblastoid active region 1807; plus strand). Cytogenetic location: 1q22.
Variant type: single nucleotide variant.
Coding change: c.-6+1G>A on transcript NM_153741.2 (MANE Select); the canonical splice donor site of the intron after 6 bases upstream of the start codon, G replaced by A.
Molecular consequence: splice donor variant.
Genome position (GRCh38, 1-based): chr1:155,140,490, C>T on the plus strand (G>A on the coding strand, the complement: DPM3 is on the minus strand). VCF-style: chr1-155140490-C-T. GRCh37 (hg19) VCF-style: chr1-155112966-C-T.
Identifiers: ClinVar variation 4875255 (VCV004875255.2).
Genomic context (GRCh38, chr1:155,140,490, plus strand): 5'-TATATTTGAGACCCACTCCCCATCTCTCGCCCTCCCCATTCAGCCTTCAACCTACACTTA[C>T]CTCTACCCCACGTCTCCCCTTCCCCGCGCGGCCCGGATGTTGGCGTCCGGAAGTCCTCCC-3'